The following is an entry in ClinVar:

ClinVar aggregate classification (germline): Likely benign (1 of 4 stars; one submission).

Conditions:
TJP2-related disorder. Also called: TJP2-related condition.

gnomAD v4.1: 14 of 1,591,450 alleles (0.00088%); highest among the groups gnomAD compares: South Asian, 0.0033%; no homozygotes.

Submission:

PreventionGenetics, part of Exact Sciences
Classification: Likely benign for TJP2-related condition. Last evaluated: 2024-12-11. Review status: criteria provided, single submitter. Criteria: ACMG Guidelines, 2015. Collection method: clinical testing. Allele origin: germline.
Comment: This variant is classified as likely benign based on ACMG/AMP sequence variant interpretation guidelines (Richards et al. 2015 PMID: 25741868, with internal and published modifications).

NM_004817.4(TJP2):c.1713C>T (p.Ala571=)

Gene: TJP2 (tight junction protein 2; plus strand). Cytogenetic location: 9q21.11.
Variant type: single nucleotide variant.
Coding change: c.1713C>T on transcript NM_004817.4 (MANE Select); coding-DNA position 1713, C replaced by T.
Protein change: p.Ala571=; no amino-acid change (alanine 571 retained).
Molecular consequence: synonymous variant.
Genome position (GRCh38, 1-based): chr9:69,234,480, C>T. VCF-style: chr9-69234480-C-T. GRCh37 (hg19) VCF-style: chr9-71849396-C-T.
Other names: c.1644C>T, p.Ala548= (NM_001170414.2, NM_001369871.1); c.1725C>T, p.Ala575= (NM_001170415.1, NM_001369874.1, NM_001369875.1); c.1806C>T, p.Ala602= (NM_001170416.2); c.1638C>T, p.Ala546= (NM_001369870.1); c.1713C>T, p.Ala571= (NM_001369872.1, NM_001369873.1, NM_201629.3).
Identifiers: ClinVar variation 4980337 (VCV004980337.1).
Genomic context (GRCh38, chr9:69,234,480, plus strand): 5'-TGTTTTTCCTTCCTAATAGGTGAACACACAGGATTTCAGAGGATTAGTGCGGGAGGATGC[C>T]GTTCTCTACCTGTTAGAAATCCCTAAAGGTGAAATGGTGACCATTTTAGCTCAGAGCCGA-3'
Protein context (NP_004808.2, residues 561-581): QDFRGLVRED[Ala571=]VLYLLEIPKG